The following is an entry in ClinVar:

NM_145239.3(PRRT2):c.146A>G (p.Gln49Arg)

Genes: MVP-DT (MVP divergent transcript; minus strand), PRRT2 (proline rich transmembrane protein 2; plus strand). Cytogenetic location: 16p11.2.
Variant type: single nucleotide variant.
Coding change: c.146A>G on transcript NM_145239.3 (MANE Select); coding-DNA position 146, A replaced by G.
Protein change: p.Gln49Arg; replaces glutamine 49 with arginine.
Molecular consequence: missense variant.
Genome position (GRCh38, 1-based): chr16:29,813,200, A>G. VCF-style: chr16-29813200-A-G. GRCh37 (hg19) VCF-style: chr16-29824521-A-G.
Other names: c.146A>G, p.Gln49Arg (NM_001256442.2, NM_001256443.2); short protein forms Q49R.
Identifiers: ClinVar variation 3251124 (VCV003251124.18), dbSNP rs2543331497.
Genomic context (GRCh38, chr16:29,813,200, plus strand): 5'-AAGCTGAAACTGGCCCTCCCCAGGTCCTAGCAGGGGTACCAGACCAGCCAGAGGCCCCGC[A>G]GCCAGGTCCAAACACCACTGCGGCCCCTGTGGACTCAGGGCCCAAGGCTGGGCTGGCTCC-3'
Protein context (NP_660282.2, residues 39-59): AGVPDQPEAP[Gln49Arg]PGPNTTAAPV

ClinVar aggregate classification (germline): Uncertain significance (1 of 4 stars; one submission).

Submission:

CeGaT Center for Human Genetics Tuebingen
Classification: Uncertain significance. Last evaluated: 2024-06-01. Review status: criteria provided, single submitter. Criteria: CeGaT Center For Human Genetics Tuebingen Variant Classification Criteria Version 2. Collection method: clinical testing. Allele origin: germline. Affected: yes. Observed: 1 variant allele.
Comment: PRRT2: PM2, BP4